The following is an entry in ClinVar:

NM_001267550.2(TTN):c.103799G>A (p.Trp34600Ter)

Genes: TTN (titin; minus strand), TTN-AS1 (TTN antisense RNA 1; plus strand). Cytogenetic location: 2q31.2.
Variant type: single nucleotide variant.
Coding change: c.103799G>A on transcript NM_001267550.2 (MANE Select); coding-DNA position 103799, G replaced by A.
Protein change: p.Trp34600Ter; replaces tryptophan 34600 with a stop codon.
Molecular consequence: nonsense.
Genome position (GRCh38, 1-based): chr2:178,532,816, C>T on the plus strand (G>A on the coding strand, the complement: TTN is on the minus strand). VCF-style: chr2-178532816-C-T. GRCh37 (hg19) VCF-style: chr2-179397543-C-T.
Other names: c.76604G>A, p.Trp25535Ter (NM_003319.4); c.96095G>A, p.Trp32032Ter (NM_133378.4); c.76979G>A, p.Trp25660Ter (NM_133432.3); c.77180G>A, p.Trp25727Ter (NM_133437.4); c.98876G>A, p.Trp32959Ter (NM_001256850.1); short protein forms W25535*, W25660*, W25727*, W32032*, W32959*, W34600*.
Identifiers: ClinVar variation 4685116 (VCV004685116.1).
Genomic context (GRCh38, chr2:178,532,816, plus strand): 5'-CGCCATTTAGGTCTGTATTGATCTGTAATGCGTGGAAGAGGCATCACATAGAACTGTTCC[C>T]ATCTTGAAAGGCGGATGCGCTTGGGTCGTTTCTGTACAACTCTGTCAAGTTTCCCAGGCA-3'

ClinVar aggregate classification (germline): Likely pathogenic (1 of 4 stars; one submission).

Submission:

GeneDx
Classification: Likely pathogenic. Last evaluated: 2025-07-12. Review status: criteria provided, single submitter. Criteria: GeneDx Variant Classification Process June 2021. Collection method: clinical testing. Allele origin: germline. Affected: yes.
Comment: Nonsense variant predicted to result in protein truncation or nonsense mediated decay in a gene for which loss of function is a known mechanism of disease; Not observed at significant frequency in large population cohorts (gnomAD); Located in the M-band, a region of TTN for which truncating variants are significantly associated with autosomal recessive skeletal myopathies and also with autosomal dominant cardiomyopathy (PMID: 17444505, 32778822, 36637017); Has not been previously published as pathogenic or benign to our knowledge; This variant is associated with the following publications: (PMID: 17444505, 32778822, 36637017)